The following is an entry in ClinVar:

ClinVar aggregate classification (germline): Uncertain significance (1 of 4 stars; one submission).

Submission:

Labcorp Genetics (formerly Invitae), Labcorp
Classification: Uncertain significance. Last evaluated: 2021-07-30. Review status: criteria provided, single submitter. Criteria: Invitae Variant Classification Sherloc (09022015). Collection method: clinical testing. Allele origin: germline.
Comment: In summary, the available evidence is currently insufficient to determine the role of this variant in disease. Therefore, it has been classified as a Variant of Uncertain Significance. Algorithms developed to predict the effect of missense changes on protein structure and function are either unavailable or do not agree on the potential impact of this missense change (SIFT: "Deleterious"; PolyPhen-2: "Benign"; Align-GVGD: "Class C35"). This variant has not been reported in the literature in individuals affected with CELSR2-related conditions. This variant is not present in population databases (ExAC no frequency). This sequence change replaces glutamine with arginine at codon 292 of the CELSR2 protein (p.Gln292Arg). The glutamine residue is highly conserved and there is a small physicochemical difference between glutamine and arginine.

NM_001408.3(CELSR2):c.875A>G (p.Gln292Arg)

Gene: CELSR2 (cadherin EGF LAG seven-pass G-type receptor 2; plus strand). Cytogenetic location: 1p13.3.
Variant type: single nucleotide variant.
Coding change: c.875A>G on transcript NM_001408.3 (MANE Select); coding-DNA position 875, A replaced by G.
Protein change: p.Gln292Arg; replaces glutamine 292 with arginine.
Molecular consequence: missense variant.
Genome position (GRCh38, 1-based): chr1:109,250,954, A>G. VCF-style: chr1-109250954-A-G. GRCh37 (hg19) VCF-style: chr1-109793576-A-G.
Other names: short protein forms Q292R.
Identifiers: ClinVar variation 1401631 (VCV001401631.6), dbSNP rs2101229644, ClinGen allele CA341482115.